The following is an entry in ClinVar:

ClinVar aggregate classification (germline): Likely pathogenic (1 of 4 stars; one submission).

Conditions:
Ehlers-Danlos syndrome, type 4 (EDSVASC). Also called: Ehlers-Danlos syndrome vascular type; Ehlers Danlos syndrome, ecchymotic type; Ehlers Danlos syndrome, arterial type; Ehlers Danlos syndrome, Sack-Barabas type; Ehlers-Danlos Syndrome Type IV. Identifiers: Orphanet 286, MedGen C0268338, MONDO:0017314, OMIM 130050.

Submission:

Labcorp Genetics (formerly Invitae), Labcorp
Classification: Likely pathogenic for Ehlers-Danlos syndrome, type 4. Last evaluated: 2020-08-23. Review status: criteria provided, single submitter. Criteria: Invitae Variant Classification Sherloc (09022015). Collection method: clinical testing. Allele origin: germline.
Comment: This variant has been observed in individual(s) with clinical features of vascular Ehlers-Danlos syndrome (Invitae). This variant is not present in population databases (ExAC no frequency). This sequence change replaces glycine with glutamic acid at codon 441 of the COL3A1 protein (p.Gly441Glu). The glycine residue is highly conserved and there is a moderate physicochemical difference between glycine and glutamic acid. Advanced modeling of protein sequence and biophysical properties (such as structural, functional, and spatial information, amino acid conservation, physicochemical variation, residue mobility, and thermodynamic stability) performed at Invitae indicates that this missense variant is expected to disrupt COL3A1 protein function. In summary, the currently available evidence indicates that the variant is pathogenic, but additional data are needed to prove that conclusively. Therefore, this variant has been classified as Likely Pathogenic. This variant disrupts the triple helix domain of COL3A1. Glycine residues within the Gly-Xaa-Yaa repeats of the triple helix domain are required for the structure and stability of fibrillar collagens (PMID: 7695699, 8218237, 19344236). In COL3A1, variants that affect these glycine residues are significantly enriched in individuals with disease (PMID: 24922459, 25758994) compared to the general population (ExAC).

Literature cited by the submitters: PubMed 7695699; PubMed 8218237; PubMed 19344236; PubMed 24922459; PubMed 25758994.

NM_000090.4(COL3A1):c.1322G>A (p.Gly441Glu)

Gene: COL3A1 (collagen type III alpha 1 chain; plus strand). Cytogenetic location: 2q32.2.
Variant type: single nucleotide variant.
Coding change: c.1322G>A on transcript NM_000090.4 (MANE Select); coding-DNA position 1322, G replaced by A.
Protein change: p.Gly441Glu; replaces glycine 441 with glutamic acid.
Molecular consequence: missense variant.
Genome position (GRCh38, 1-based): chr2:188,994,569, G>A. VCF-style: chr2-188994569-G-A. GRCh37 (hg19) VCF-style: chr2-189859295-G-A.
Other names: short protein forms G441E.
Identifiers: ClinVar variation 1067325 (VCV001067325.9), dbSNP rs2153502406, ClinGen allele CA349851670.